The following is an entry in ClinVar:

NM_015338.6(ASXL1):c.766G>A (p.Gly256Arg)

Gene: ASXL1 (ASXL transcriptional regulator 1; plus strand). Cytogenetic location: 20q11.21.
Variant type: single nucleotide variant.
Coding change: c.766G>A on transcript NM_015338.6 (MANE Select); coding-DNA position 766, G replaced by A.
Protein change: p.Gly256Arg; replaces glycine 256 with arginine.
Molecular consequence: missense variant.
Genome position (GRCh38, 1-based): chr20:32,431,368, G>A. VCF-style: chr20-32431368-G-A. GRCh37 (hg19) VCF-style: chr20-31019171-G-A.
Other names: c.583G>A, p.Gly195Arg (NM_001363734.1); short protein forms G256R, G195R.
Identifiers: ClinVar variation 4588470 (VCV004588470.1).

ClinVar aggregate classification (germline): Uncertain significance (1 of 4 stars; one submission).

Conditions:
Inborn genetic diseases. Identifiers: MedGen C0950123, MeSH D030342.

gnomAD v4.1: 1 of 1,614,050 alleles (0.000062%); highest among the groups gnomAD compares: African/African-American, 0.0013%; no homozygotes.

Submission:

Ambry Genetics
Classification: Uncertain significance for Inborn genetic diseases. Last evaluated: 2025-11-08. Review status: criteria provided, single submitter. Criteria: Ambry Variant Classification Scheme 2023. Collection method: clinical testing. Allele origin: germline.
Comment: The p.G256R variant (also known as c.766G>A), located in coding exon 9 of the ASXL1 gene, results from a G to A substitution at nucleotide position 766. The glycine at codon 256 is replaced by arginine, an amino acid with dissimilar properties. This amino acid position is conserved. In addition, the in silico prediction for this alteration is inconclusive. Based on the available evidence, the clinical significance of this variant remains unclear.